The following is an entry in ClinVar:

ClinVar aggregate classification (germline): Uncertain significance (1 of 4 stars; one submission).

gnomAD v4.1: 15 of 1,614,016 alleles (0.00093%); highest among the groups gnomAD compares: South Asian, 0.0099%; no homozygotes.

Submission:

Labcorp Genetics (formerly Invitae), Labcorp
Classification: Uncertain significance. Last evaluated: 2022-03-24. Review status: criteria provided, single submitter. Criteria: Invitae Variant Classification Sherloc (09022015). Collection method: clinical testing. Allele origin: germline.
Comment: In summary, the available evidence is currently insufficient to determine the role of this variant in disease. Therefore, it has been classified as a Variant of Uncertain Significance. Algorithms developed to predict the effect of missense changes on protein structure and function (SIFT, PolyPhen-2, Align-GVGD) all suggest that this variant is likely to be tolerated. This variant has not been reported in the literature in individuals affected with PPP2R5D-related conditions. This variant is present in population databases (rs140491750, gnomAD 0.004%). This sequence change replaces proline, which is neutral and non-polar, with alanine, which is neutral and non-polar, at codon 530 of the PPP2R5D protein (p.Pro530Ala).

NM_006245.4(PPP2R5D):c.1588C>G (p.Pro530Ala)

Gene: PPP2R5D (protein phosphatase 2 regulatory subunit B'delta; plus strand). Cytogenetic location: 6p21.1.
Variant type: single nucleotide variant.
Coding change: c.1588C>G on transcript NM_006245.4 (MANE Select); coding-DNA position 1588, C replaced by G.
Protein change: p.Pro530Ala; replaces proline 530 with alanine.
Molecular consequence: missense variant.
Genome position (GRCh38, 1-based): chr6:43,010,914, C>G. VCF-style: chr6-43010914-C-G. GRCh37 (hg19) VCF-style: chr6-42978652-C-G.
Other names: c.1135C>G, p.Pro379Ala (NM_001270476.2); c.1492C>G, p.Pro498Ala (NM_180976.3); c.1270C>G, p.Pro424Ala (NM_180977.3); short protein forms P498A, P530A, P424A, P379A.
Identifiers: ClinVar variation 1988262 (VCV001988262.4), dbSNP rs140491750, ClinGen allele CA3812117.
Genomic context (GRCh38, chr6:43,010,914, plus strand): 5'-AACGCTTGTCCATGTCTCCTCACTCAGTATCCCATGTTCCGAGCCCCTCCACCACTGCCC[C>G]CTGTGTACTCGATGGAGACAGAGACCCCCACAGCTGAGGACATCCAGCTTCTGAAGAGGA-3'
Protein context (NP_006236.1, residues 520-540): PMFRAPPPLP[Pro530Ala]VYSMETETPT